The following is an entry in ClinVar:

ClinVar aggregate classification (germline): Uncertain significance (1 of 4 stars; one submission).

Conditions:
Fibrous dysplasia of jaw (CRBM). Also called: Cherubism. Identifiers: Orphanet 184, MedGen C0008029, MONDO:0007315, OMIM 118400.

Allele frequency attached by ClinVar (database versions not stated): gnomAD exomes below 0.00001.
gnomAD v4.1: 2 of 1,614,100 alleles (0.00012%); highest among the groups gnomAD compares: Admixed American, 0.0033%; no homozygotes.

Submission:

Labcorp Genetics (formerly Invitae), Labcorp
Classification: Uncertain significance for Fibrous dysplasia of jaw. Last evaluated: 2023-09-10. Review status: criteria provided, single submitter. Criteria: Invitae Variant Classification Sherloc (09022015). Collection method: clinical testing. Allele origin: germline.
Comment: In summary, the available evidence is currently insufficient to determine the role of this variant in disease. Therefore, it has been classified as a Variant of Uncertain Significance. Advanced modeling of protein sequence and biophysical properties (such as structural, functional, and spatial information, amino acid conservation, physicochemical variation, residue mobility, and thermodynamic stability) performed at Invitae indicates that this missense variant is not expected to disrupt SH3BP2 protein function. This variant has not been reported in the literature in individuals affected with SH3BP2-related conditions. This variant is present in population databases (no rsID available, gnomAD 0.003%). This sequence change replaces proline, which is neutral and non-polar, with arginine, which is basic and polar, at codon 168 of the SH3BP2 protein (p.Pro168Arg).

NM_001122681.2(SH3BP2):c.503C>G (p.Pro168Arg)

Gene: SH3BP2 (SH3 domain binding protein 2; plus strand). Cytogenetic location: 4p16.3.
Variant type: single nucleotide variant.
Coding change: c.503C>G on transcript NM_001122681.2 (MANE Select); coding-DNA position 503, C replaced by G.
Protein change: p.Pro168Arg; replaces proline 168 with arginine.
Molecular consequence: missense variant.
Genome position (GRCh38, 1-based): chr4:2,827,304, C>G. VCF-style: chr4-2827304-C-G. GRCh37 (hg19) VCF-style: chr4-2829031-C-G.
Other names: c.587C>G, p.Pro196Arg (NM_001145855.2); c.674C>G, p.Pro225Arg (NM_001145856.2); c.503C>G, p.Pro168Arg (NM_003023.4); short protein forms P168R, P196R, P225R.
Identifiers: ClinVar variation 2759954 (VCV002759954.3), dbSNP rs1361944284, ClinGen allele CA356054655.